The following is an entry in ClinVar:

ClinVar aggregate classification (germline): Conflicting classifications of pathogenicity. Review status: criteria provided, conflicting classifications (1 of 4 stars). 4 submissions from 4 submitters: Uncertain significance (2); Likely benign (2). Last evaluated 2025-12-08.

Conditions:
Hereditary cancer-predisposing syndrome. Also called: Hereditary neoplastic syndrome; Neoplastic Syndromes, Hereditary; Tumor predisposition; Hereditary Cancer Syndrome. Identifiers: Orphanet 140162, MedGen C0027672, MeSH D009386, MONDO:0015356.
Hereditary breast ovarian cancer syndrome. Also called: Hereditary breast and/or ovarian cancer syndrome; Hereditary breast and ovarian cancer syndrome; Hereditary breast and ovarian cancer; Breast and ovarian cancer; Hereditary breast and ovarian cancer syndrome (HBOC); BRCA1- and BRCA2-Associated Hereditary Breast and Ovarian Cancer. Identifiers: Orphanet 145, MedGen C0677776, MeSH D061325, MONDO:0003582. Disease mechanism: loss of function.

Allele frequency attached by ClinVar (database versions not stated): gnomAD exomes below 0.00001.
gnomAD v4.1: 2 of 1,612,676 alleles (0.00012%); highest among the groups gnomAD compares: Non-Finnish European, 0.00017%; no homozygotes.

Submissions (4):

Labcorp Genetics (formerly Invitae), Labcorp
Classification: Uncertain significance for Hereditary breast ovarian cancer syndrome. Last evaluated: 2025-12-08. Review status: criteria provided, single submitter. Criteria: Invitae Variant Classification Sherloc (09022015). Collection method: clinical testing. Allele origin: germline.
Comment: This sequence change replaces valine, which is neutral and non-polar, with isoleucine, which is neutral and non-polar, at codon 355 of the BRCA2 protein (p.Val355Ile). This variant is not present in population databases (gnomAD no frequency). This variant has not been reported in the literature in individuals affected with BRCA2-related conditions. ClinVar contains an entry for this variant (Variation ID: 1315594). Invitae Evidence Modeling of protein sequence and biophysical properties (such as structural, functional, and spatial information, amino acid conservation, physicochemical variation, residue mobility, and thermodynamic stability) indicates that this missense variant is not expected to disrupt BRCA2 protein function with a negative predictive value of 95%. In summary, the available evidence is currently insufficient to determine the role of this variant in disease. Therefore, it has been classified as a Variant of Uncertain Significance.

Ambry Genetics
Classification: Likely benign for Hereditary cancer-predisposing syndrome. Last evaluated: 2025-03-03. Review status: criteria provided, single submitter. Criteria: Ambry Variant Classification Scheme 2023. Collection method: clinical testing. Allele origin: germline.

University of Washington Department of Laboratory Medicine, University of Washington
Classification: Likely benign for Hereditary cancer-predisposing syndrome. Last evaluated: 2023-03-23. Review status: criteria provided, single submitter. Criteria: Dines et al. (Genet Med. 2020). Collection method: curation. Allele origin: germline.
Comment: Missense variant in a coldspot region where missense variants are very unlikely to be pathogenic (PMID:31911673).

BRCA2 exon 10 coldspot. Reclassification based on statistical prior probability.

GeneDx
Classification: Uncertain significance. Last evaluated: 2019-09-26. Review status: criteria provided, single submitter. Criteria: GeneDx Variant Classification Process June 2021. Collection method: clinical testing. Allele origin: germline. Affected: yes.
Comment: Not observed in large population cohorts (Lek 2016); In silico analysis, which includes protein predictors and evolutionary conservation, supports that this variant does not alter protein structure/function; Has not been previously published as pathogenic or benign to our knowledge; This variant is associated with the following publications: (PMID: 31131967)

NM_000059.4(BRCA2):c.1063G>A (p.Val355Ile)

Gene: BRCA2 (BRCA2 DNA repair associated; plus strand). Cytogenetic location: 13q13.1.
Variant type: single nucleotide variant.
Coding change: c.1063G>A on transcript NM_000059.4 (MANE Select); coding-DNA position 1063, G replaced by A.
Protein change: p.Val355Ile; replaces valine 355 with isoleucine.
Molecular consequence: missense variant.
Genome position (GRCh38, 1-based): chr13:32,332,541, G>A. VCF-style: chr13-32332541-G-A. GRCh37 (hg19) VCF-style: chr13-32906678-G-A.
Other names: short protein forms V355I.
Identifiers: ClinVar variation 1315594 (VCV001315594.12), dbSNP rs2072403612, ClinGen allele CA387761358.